The following is an entry in ClinVar:

ClinVar aggregate classification (germline): Uncertain significance (1 of 4 stars; one submission).

Conditions:
Parenti-mignot neurodevelopmental syndrome. Identifiers: MedGen C5676984, MONDO:0859249, OMIM 619873.

Submission:

Neuberg Centre For Genomic Medicine, NCGM
Classification: Uncertain significance for Parenti-mignot neurodevelopmental syndrome. Last evaluated: 2023-06-02. Review status: criteria provided, single submitter. Criteria: ACMG Guidelines, 2015. Collection method: clinical testing. Allele origin: germline. Inheritance: Autosomal dominant inheritance. Affected: yes.
Comment: The observed missense c.1732A>T(p.Met578Leu) variant in CHD5 gene has not been reported previously as a pathogenic variant nor a benign variant, to our knowledge. The p.Met578Leu variant is absent in gnomAD Exomes. This variant has not been submitted to the ClinVar database. Multiple lines of computational evidences (Polyphen - Benign, SIFT - Tolerated and MutationTaster - Disease causing) predict conflicting evidence on protein structure and function for this variant. The reference amino acid change at this position on CHD5 gene is predicted as conserved by GERP++ and PhyloP across 100 vertebrates. The amino acid Met at position 578 is changed to a Leu changing protein sequence and it might alter its composition and physico-chemical properties. For these reasons, this variant has been classified as a Variant of Uncertain Significance (VUS).

NM_015557.3(CHD5):c.1732A>T (p.Met578Leu)

Gene: CHD5 (chromodomain helicase DNA binding protein 5; minus strand). Cytogenetic location: 1p36.31.
Variant type: single nucleotide variant.
Coding change: c.1732A>T on transcript NM_015557.3 (MANE Select); coding-DNA position 1732, A replaced by T.
Protein change: p.Met578Leu; replaces methionine 578 with leucine.
Molecular consequence: missense variant.
Genome position (GRCh38, 1-based): chr1:6,146,282, T>A on the plus strand (A>T on the coding strand, the complement: CHD5 is on the minus strand). VCF-style: chr1-6146282-T-A. GRCh37 (hg19) VCF-style: chr1-6206342-T-A.
Other names: short protein forms M578L.
Identifiers: ClinVar variation 3362288 (VCV003362288.3).